The following is an entry in ClinVar:

ClinVar aggregate classification (germline): Uncertain significance (1 of 4 stars; one submission).

Conditions:
Inborn genetic diseases. Identifiers: MedGen C0950123, MeSH D030342.

Submission:

Ambry Genetics
Classification: Uncertain significance for Inborn genetic diseases. Last evaluated: 2025-03-01. Review status: criteria provided, single submitter. Criteria: Ambry Variant Classification Scheme 2023. Collection method: clinical testing. Allele origin: germline.
Comment: The p.T690P variant (also known as c.2068A>C), located in coding exon 13 of the RECQL4 gene, results from an A to C substitution at nucleotide position 2068. The threonine at codon 690 is replaced by proline, an amino acid with highly similar properties. This amino acid position is conserved. In addition, this alteration is predicted to be deleterious by in silico analysis. Based on the available evidence, the clinical significance of this variant remains unclear.

NM_004260.4(RECQL4):c.2068A>C (p.Thr690Pro)

Gene: RECQL4 (RecQ like helicase 4; minus strand). Cytogenetic location: 8q24.3.
Variant type: single nucleotide variant.
Coding change: c.2068A>C on transcript NM_004260.4 (MANE Select); coding-DNA position 2068, A replaced by C.
Protein change: p.Thr690Pro; replaces threonine 690 with proline.
Molecular consequence: missense variant. On other transcripts: non-coding transcript variant (2).
Genome position (GRCh38, 1-based): chr8:144,513,703, T>G on the plus strand (A>C on the coding strand, the complement: RECQL4 is on the minus strand). VCF-style: chr8-144513703-T-G. GRCh37 (hg19) VCF-style: chr8-145739087-T-G.
Other names: c.1972A>C, p.Thr658Pro (NM_001413017.1, NM_001413020.1); c.2068A>C, p.Thr690Pro (NM_001413018.1, NM_001413019.1, NM_001413036.1); c.997A>C, p.Thr333Pro (NM_001413021.1, NM_001413022.1, NM_001413023.1 and 6 more transcripts); c.1939A>C, p.Thr647Pro (NM_001413025.1); c.931A>C, p.Thr311Pro (NM_001413027.1, NM_001413030.1, NM_001413032.1 and 1 more transcripts); c.1717A>C, p.Thr573Pro (NM_001413029.1); c.799A>C, p.Thr267Pro (NM_001413031.1); c.1936A>C, p.Thr646Pro (NM_001413033.1); and 4 more; short protein forms T311P, T573P, T646P, T658P, T690P, T201P, T323P, T333P.
Identifiers: ClinVar variation 3788066 (VCV003788066.1).
Genomic context (GRCh38, chr8:144,513,703, plus strand): 5'-GCCGGTTGCAGTAAATGATAATGGAATCGAGGTTTTGAAAACGTTTGCCTTGCAGCAGCG[T>G]CAACAGTGCCTGATGAGGAGCGGTTGGCGTGGGCAGTGGGGAGTGAGGAGGGGTCGGCGT-3'
Protein context (NP_004251.4, residues 680-700): MDRDTDQALL[Thr690Pro]LLQGKRFQNL